The following is an entry in ClinVar:

ClinVar aggregate classification (germline): Conflicting classifications of pathogenicity. Review status: criteria provided, conflicting classifications (1 of 4 stars). 3 submissions from 3 submitters: Uncertain significance (2); Benign (1). Last evaluated 2026-09-01.

Conditions:
Amyotrophic lateral sclerosis (ALS). Also called: Lou Gehrig disease; Charcot disease. Identifiers: Orphanet 803, MedGen C0002736, MONDO:0004976, HP:0007354.

Allele frequency attached by ClinVar (database versions not stated): 1000 Genomes Project 0.00859; TOPMed 0.00877; 1000 Genomes Project 30x 0.00906; ESP Exome Variant Server 0.00947; ExAC 0.01247; gnomAD 0.00813 and 0.00838.
gnomAD v4.1: 16,217 of 1,500,464 alleles (1.1%); highest among the groups gnomAD compares: Middle Eastern, 2.4%; 123 homozygotes.

Submissions (3):

CeGaT Center for Human Genetics Tuebingen
Classification: Benign. Last evaluated: 2026-09-01. Review status: criteria provided, single submitter. Criteria: CeGaT Center For Human Genetics Tuebingen Variant Classification Criteria Version 2. Collection method: clinical testing. Allele origin: germline. Affected: yes. Observed: 5 variant alleles.
Comment: TNIP1: BP4, BS1, BS2

UM ALS/MND Lab, University Of Malta
Classification: Uncertain significance for Amyotrophic lateral sclerosis. Last evaluated: 2020-09-09. Review status: criteria provided, single submitter. Criteria: ACMG Guidelines, 2015. Collection method: case-control. Allele origin: unknown. Affected: yes. Observed: 1 variant allele.
Comment: Single heterozygote

Breakthrough Genomics
Classification: Uncertain significance. Review status: criteria provided, single submitter. Criteria: ACMG Guidelines, 2015. Collection method: not provided. Allele origin: germline. Inheritance: Unknown mechanism. Affected: yes.

NM_006058.5(TNIP1):c.437C>T (p.Ala146Val)

Gene: TNIP1 (TNFAIP3 interacting protein 1; minus strand). Cytogenetic location: 5q33.1.
Variant type: single nucleotide variant.
Coding change: c.437C>T on transcript NM_006058.5 (MANE Select); coding-DNA position 437, C replaced by T.
Protein change: p.Ala146Val; replaces alanine 146 with valine.
Molecular consequence: missense variant.
Genome position (GRCh38, 1-based): chr5:151,056,956, G>A on the plus strand (C>T on the coding strand, the complement: TNIP1 is on the minus strand). VCF-style: chr5-151056956-G-A. GRCh37 (hg19) VCF-style: chr5-150436517-G-A.
Other names: c.437C>T, p.Ala146Val (NM_001252385.2, NM_001252390.2, NM_001252391.2 and 6 more transcripts); c.278C>T, p.Ala93Val (NM_001252386.2, NM_001364486.2); short protein forms A146V, A93V.
Identifiers: ClinVar variation 981029 (VCV000981029.18), dbSNP rs2233289, ClinGen allele CA3516312.